The following is an entry in ClinVar:

NM_001122752.2(SERPINI1):c.217C>G (p.Arg73Gly)

Gene: SERPINI1 (serpin family I member 1; plus strand). Cytogenetic location: 3q26.1.
Variant type: single nucleotide variant.
Coding change: c.217C>G on transcript NM_001122752.2 (MANE Select); coding-DNA position 217, C replaced by G.
Protein change: p.Arg73Gly; replaces arginine 73 with glycine.
Molecular consequence: missense variant.
Genome position (GRCh38, 1-based): chr3:167,789,345, C>G. VCF-style: chr3-167789345-C-G. GRCh37 (hg19) VCF-style: chr3-167507133-C-G.
Other names: c.217C>G, p.Arg73Gly (NM_005025.5); short protein forms R73G.
Identifiers: ClinVar variation 1061057 (VCV001061057.9), dbSNP rs369596299, ClinGen allele CA355155790.
Genomic context (GRCh38, chr3:167,789,345, plus strand): 5'-ATTGCTCTTGCAATGGGAATGATGGAACTTGGGGCCCAAGGATCTACCCAGAAAGAAATC[C>G]GCCACTCAATGGGATATGACAGCCTAAAAAATGGTAAGAGTGATCAGGTTTGATTTCTCA-3'
Protein context (NP_001116224.1, residues 63-83): GAQGSTQKEI[Arg73Gly]HSMGYDSLKN

ClinVar aggregate classification (germline): Uncertain significance (1 of 4 stars; one submission).

Conditions:
Familial encephalopathy with neuroserpin inclusion bodies. Also called: ENCEPHALOPATHY, FAMILIAL, WITH COLLINS BODIES. Identifiers: Orphanet 85110, MedGen C1858680, MONDO:0011412, OMIM 604218.

Submission:

Labcorp Genetics (formerly Invitae), Labcorp
Classification: Uncertain significance for Familial encephalopathy with neuroserpin inclusion bodies. Last evaluated: 2020-04-17. Review status: criteria provided, single submitter. Criteria: Invitae Variant Classification Sherloc (09022015). Collection method: clinical testing. Allele origin: germline.
Comment: This sequence change replaces arginine with glycine at codon 73 of the SERPINI1 protein (p.Arg73Gly). The arginine residue is highly conserved and there is a moderate physicochemical difference between arginine and glycine. This variant is not present in population databases (ExAC no frequency). This variant has not been reported in the literature in individuals with SERPINI1-related conditions. Algorithms developed to predict the effect of missense changes on protein structure and function (SIFT, PolyPhen-2, Align-GVGD) all suggest that this variant is likely to be disruptive, but these predictions have not been confirmed by published functional studies and their clinical significance is uncertain. In summary, the available evidence is currently insufficient to determine the role of this variant in disease. Therefore, it has been classified as a Variant of Uncertain Significance.